The following is an entry in ClinVar:

NM_004385.5(VCAN):c.9075G>A (p.Thr3025=)

Genes: VCAN (versican; plus strand), VCAN-AS1 (VCAN antisense RNA 1; minus strand). Cytogenetic location: 5q14.3.
Variant type: single nucleotide variant.
Coding change: c.9075G>A on transcript NM_004385.5 (MANE Select); coding-DNA position 9075, G replaced by A.
Protein change: p.Thr3025=; no amino-acid change (threonine 3025 retained).
Molecular consequence: synonymous variant. On other transcripts: intron variant (2).
Genome position (GRCh38, 1-based): chr5:83,542,078, G>A. VCF-style: chr5-83542078-G-A. GRCh37 (hg19) VCF-style: chr5-82837897-G-A.
Other names: c.6114G>A, p.Thr2038= (NM_001164097.2); c.4004-3459G>A (NM_001164098.2); c.1043-3459G>A (NM_001126336.3).
Identifiers: ClinVar variation 259375 (VCV000259375.16), dbSNP rs113014073, ClinGen allele CA3333907.
Genomic context (GRCh38, chr5:83,542,078, plus strand): 5'-TTCTTCTCCAGAAATAAACCCTGAAACTCAAGCAGCTTTAATCAGAGGGCAGGATTCCAC[G>A]ATAGCAGCATCAGAACAGCAAGTGGCAGCGAGAATTCTTGATTCCAATGATCAGGCAACA-3'
Protein context (NP_004376.2, residues 3015-3035): QAALIRGQDS[Thr3025=]IAASEQQVAA

ClinVar aggregate classification (germline): Benign. Review status: criteria provided, multiple submitters, no conflicts (2 of 4 stars). 4 submissions from 4 submitters: Benign (4). Last evaluated 2026-02-03.

Conditions:
Vitreoretinopathy. Also called: Vitreoretinal degeneration. Identifiers: MedGen C0344290, MONDO:0020248, HP:0007773.

Allele frequency attached by ClinVar (database versions not stated): 1000 Genomes Project 0.01478; 1000 Genomes Project 30x 0.01483; TOPMed 0.02648; gnomAD 0.02750 and 0.02820; ESP Exome Variant Server 0.03099.
gnomAD v4.1: 56,653 of 1,613,704 alleles (3.5%); highest among the groups gnomAD compares: Middle Eastern, 4%; 1,217 homozygotes.

Submissions (4):

Labcorp Genetics (formerly Invitae), Labcorp
Classification: Benign. Last evaluated: 2026-02-03. Review status: criteria provided, single submitter. Criteria: Invitae Variant Classification Sherloc (09022015). Collection method: clinical testing. Allele origin: germline.

Blueprint Genetics
Classification: Benign. Last evaluated: 2024-11-26. Review status: criteria provided, single submitter. Criteria: ACMG Guidelines, 2015. Collection method: clinical testing. Allele origin: germline.

Illumina Laboratory Services, Illumina
Classification: Benign for Vitreoretinopathy. Last evaluated: 2018-01-12. Review status: criteria provided, single submitter. Criteria: ICSL Variant Classification Criteria 13 December 2019. Collection method: clinical testing. Allele origin: germline.
Comment: This variant was observed in the ICSL laboratory as part of a predisposition screen in an ostensibly healthy population. It had not been previously curated by ICSL or reported in the Human Gene Mutation Database (HGMD: prior to June 1st, 2018), and was therefore a candidate for classification through an automated scoring system. Utilizing variant allele frequency, disease prevalence and penetrance estimates, and inheritance mode, an automated score was calculated to assess if this variant is too frequent to cause the disease. Based on the score and internal cut-off values, a variant classified as benign is not then subjected to further curation. The score for this variant resulted in a classification of benign for this disease.

PreventionGenetics, part of Exact Sciences
Classification: Benign. Review status: criteria provided, single submitter. Criteria: ACMG Guidelines, 2015. Collection method: clinical testing. Allele origin: germline.